The following is an entry in ClinVar:

ClinVar aggregate classification (germline): Uncertain significance (1 of 4 stars; one submission).

Submission:

Labcorp Genetics (formerly Invitae), Labcorp
Classification: Uncertain significance. Last evaluated: 2018-05-18. Review status: criteria provided, single submitter. Criteria: Invitae Variant Classification Sherloc (09022015). Collection method: clinical testing. Allele origin: germline.
Comment: In summary, the available evidence is currently insufficient to determine the role of this variant in disease. Therefore, it has been classified as a Variant of Uncertain Significance. Algorithms developed to predict the effect of missense changes on protein structure and function output the following: SIFT: "Tolerated"; PolyPhen-2: "Benign"; Align-GVGD: "Class C0". The valine amino acid residue is found in multiple mammalian species, suggesting that this missense change does not adversely affect protein function. These predictions have not been confirmed by published functional studies and their clinical significance is uncertain. This variant has not been reported in the literature in individuals with PPOX-related disease. This variant is not present in population databases (ExAC no frequency). This sequence change replaces isoleucine with valine at codon 180 of the PPOX protein (p.Ile180Val). The isoleucine residue is weakly conserved and there is a small physicochemical difference between isoleucine and valine.

NM_001122764.3(PPOX):c.538A>G (p.Ile180Val)

Gene: PPOX (protoporphyrinogen oxidase; plus strand). Cytogenetic location: 1q23.3.
Variant type: single nucleotide variant.
Coding change: c.538A>G on transcript NM_001122764.3 (MANE Select); coding-DNA position 538, A replaced by G.
Protein change: p.Ile180Val; replaces isoleucine 180 with valine.
Molecular consequence: missense variant.
Genome position (GRCh38, 1-based): chr1:161,168,498, A>G. VCF-style: chr1-161168498-A-G. GRCh37 (hg19) VCF-style: chr1-161138288-A-G.
Other names: c.538A>G, p.Ile180Val (NM_000309.5, NM_001365398.1, NM_001365399.1); c.439A>G, p.Ile147Val (NM_001350128.2); c.130A>G, p.Ile44Val (NM_001350129.2, NM_001365400.1); c.52A>G, p.Ile18Val (NM_001350130.2, NM_001350131.2, NM_001365401.1); short protein forms I44V, I147V, I18V, I180V.
Identifiers: ClinVar variation 1044843 (VCV001044843.8), dbSNP rs1200338773, ClinGen allele CA343353882.